The following is an entry in ClinVar:

ClinVar aggregate classification (germline): Uncertain significance (1 of 4 stars; one submission).

Submission:

Labcorp Genetics (formerly Invitae), Labcorp
Classification: Uncertain significance. Last evaluated: 2021-08-11. Review status: criteria provided, single submitter. Criteria: Invitae Variant Classification Sherloc (09022015). Collection method: clinical testing. Allele origin: germline.
Comment: This sequence change replaces serine with alanine at codon 139 of the ATF6 protein (p.Ser139Ala). The serine residue is moderately conserved and there is a moderate physicochemical difference between serine and alanine. This variant is not present in population databases (ExAC no frequency). This variant has not been reported in the literature in individuals affected with ATF6-related conditions. Algorithms developed to predict the effect of missense changes on protein structure and function output the following: SIFT: "Tolerated"; PolyPhen-2: "Benign"; Align-GVGD: "Class C0". The alanine amino acid residue is found in multiple mammalian species, which suggests that this missense change does not adversely affect protein function. In summary, the available evidence is currently insufficient to determine the role of this variant in disease. Therefore, it has been classified as a Variant of Uncertain Significance.

NM_007348.4(ATF6):c.415T>G (p.Ser139Ala)

Gene: ATF6 (activating transcription factor 6; plus strand). Cytogenetic location: 1q23.3.
Variant type: single nucleotide variant.
Coding change: c.415T>G on transcript NM_007348.4 (MANE Select); coding-DNA position 415, T replaced by G.
Protein change: p.Ser139Ala; replaces serine 139 with alanine.
Molecular consequence: missense variant.
Genome position (GRCh38, 1-based): chr1:161,791,468, T>G. VCF-style: chr1-161791468-T-G. GRCh37 (hg19) VCF-style: chr1-161761258-T-G.
Other names: short protein forms S139A.
Identifiers: ClinVar variation 1466318 (VCV001466318.6), dbSNP rs2101741403, ClinGen allele CA343386074.